The following is an entry in ClinVar:

NM_000719.7(CACNA1C):c.521C>G (p.Ala174Gly)

Gene: CACNA1C (calcium voltage-gated channel subunit alpha1 C; plus strand). Cytogenetic location: 12p13.33.
Variant type: single nucleotide variant.
Coding change: c.521C>G on transcript NM_000719.7 (MANE Select); coding-DNA position 521, C replaced by G.
Protein change: p.Ala174Gly; replaces alanine 174 with glycine.
Molecular consequence: missense variant.
Genome position (GRCh38, 1-based): chr12:2,449,019, C>G. VCF-style: chr12-2449019-C-G. GRCh37 (hg19) VCF-style: chr12-2558185-C-G.
Other names: c.521C>G, p.Ala174Gly (NM_001129827.2, NM_001129829.2, NM_001129830.3 and 19 more transcripts); short protein forms A174G.
Identifiers: ClinVar variation 2153322 (VCV002153322.4), dbSNP rs2099328128, ClinGen allele CA383367363.
Genomic context (GRCh38, chr12:2,449,019, plus strand): 5'-CTATTTCTGTTTCCTAGGAACGAGTGGAATATCTCTTTCTCATAATTTTTACGGTGGAAG[C>G]GTTTTTAAAAGTAATCGCCTATGGACTCCTCTTTCACCCCAATGCCTACCTCCGCAACGG-3'
Protein context (NP_000710.5, residues 164-184): YLFLIIFTVE[Ala174Gly]FLKVIAYGLL

ClinVar aggregate classification (germline): Uncertain significance (1 of 4 stars; one submission).

Conditions:
Long QT syndrome (LQTS). Identifiers: MedGen C0023976, MeSH D008133, MONDO:0002442. Disease mechanism: loss of function. Inheritance: Various modes of inheritance.

Submission:

Labcorp Genetics (formerly Invitae), Labcorp
Classification: Uncertain significance for Long QT syndrome. Last evaluated: 2022-06-27. Review status: criteria provided, single submitter. Criteria: Invitae Variant Classification Sherloc (09022015). Collection method: clinical testing. Allele origin: germline.
Comment: In summary, the available evidence is currently insufficient to determine the role of this variant in disease. Therefore, it has been classified as a Variant of Uncertain Significance. Algorithms developed to predict the effect of missense changes on protein structure and function (SIFT, PolyPhen-2, Align-GVGD) all suggest that this variant is likely to be tolerated. This variant has not been reported in the literature in individuals affected with CACNA1C-related conditions. This variant is not present in population databases (gnomAD no frequency). This sequence change replaces alanine, which is neutral and non-polar, with glycine, which is neutral and non-polar, at codon 174 of the CACNA1C protein (p.Ala174Gly).